The following is an entry in ClinVar:

ClinVar aggregate classification (germline): Uncertain significance (1 of 4 stars; one submission).

Conditions:
Neurofibromatosis, type 1 (NF1). Also called: VON RECKLINGHAUSEN DISEASE; Neurofibromatosis, type I; NEUROFIBROMATOSIS, TYPE I, SOMATIC; Peripheral type neurofibromatosis. Identifiers: Orphanet 636, MedGen C0027831, MONDO:0018975, OMIM 162200. Disease mechanism: loss of function.

Submission:

Labcorp Genetics (formerly Invitae), Labcorp
Classification: Uncertain significance for Neurofibromatosis, type 1. Last evaluated: 2025-08-11. Review status: criteria provided, single submitter. Criteria: Invitae Variant Classification Sherloc (09022015). Collection method: clinical testing. Allele origin: germline.
Comment: This sequence change replaces alanine, which is neutral and non-polar, with valine, which is neutral and non-polar, at codon 754 of the NF1 protein (p.Ala754Val). This variant is not present in population databases (gnomAD no frequency). This variant has not been reported in the literature in individuals affected with NF1-related conditions. Invitae Evidence Modeling of protein sequence and biophysical properties (such as structural, functional, and spatial information, amino acid conservation, physicochemical variation, residue mobility, and thermodynamic stability) indicates that this missense variant is not expected to disrupt NF1 protein function with a negative predictive value of 95%. In summary, the available evidence is currently insufficient to determine the role of this variant in disease. Therefore, it has been classified as a Variant of Uncertain Significance.

NM_001042492.3(NF1):c.2261C>T (p.Ala754Val)

Gene: NF1 (neurofibromin 1; plus strand). Cytogenetic location: 17q11.2.
Variant type: single nucleotide variant.
Coding change: c.2261C>T on transcript NM_001042492.3 (MANE Select); coding-DNA position 2261, C replaced by T.
Protein change: p.Ala754Val; replaces alanine 754 with valine.
Molecular consequence: missense variant.
Genome position (GRCh38, 1-based): chr17:31,227,227, C>T. VCF-style: chr17-31227227-C-T. GRCh37 (hg19) VCF-style: chr17-29554245-C-T.
Other names: c.2261C>T, p.Ala754Val (NM_000267.4); short protein forms A754V.
Identifiers: ClinVar variation 4800730 (VCV004800730.1).